The following is an entry in ClinVar:

ClinVar aggregate classification (germline): Uncertain significance (1 of 4 stars; one submission).

Conditions:
Kabuki syndrome. Also called: NIIKAWA-KUROKI SYNDROME; Kabuki make-up syndrome. Identifiers: Orphanet 2322, MedGen C0796004, MONDO:0016512.

Submission:

Labcorp Genetics (formerly Invitae), Labcorp
Classification: Uncertain significance for Kabuki syndrome. Last evaluated: 2023-09-07. Review status: criteria provided, single submitter. Criteria: Invitae Variant Classification Sherloc (09022015). Collection method: clinical testing. Allele origin: germline.
Comment: This sequence change replaces histidine, which is basic and polar, with glutamine, which is neutral and polar, at codon 3814 of the KMT2D protein (p.His3814Gln). This variant is not present in population databases (gnomAD no frequency). This variant has not been reported in the literature in individuals affected with KMT2D-related conditions. ClinVar contains an entry for this variant (Variation ID: 1375622). Advanced modeling of protein sequence and biophysical properties (such as structural, functional, and spatial information, amino acid conservation, physicochemical variation, residue mobility, and thermodynamic stability) performed at Invitae indicates that this missense variant is not expected to disrupt KMT2D protein function. In summary, the available evidence is currently insufficient to determine the role of this variant in disease. Therefore, it has been classified as a Variant of Uncertain Significance.

NM_003482.4(KMT2D):c.11442C>G (p.His3814Gln)

Gene: KMT2D (lysine methyltransferase 2D; minus strand). Cytogenetic location: 12q13.12.
Variant type: single nucleotide variant.
Coding change: c.11442C>G on transcript NM_003482.4 (MANE Select); coding-DNA position 11442, C replaced by G.
Protein change: p.His3814Gln; replaces histidine 3814 with glutamine.
Molecular consequence: missense variant.
Genome position (GRCh38, 1-based): chr12:49,033,263, G>C on the plus strand (C>G on the coding strand, the complement: KMT2D is on the minus strand). VCF-style: chr12-49033263-G-C. GRCh37 (hg19) VCF-style: chr12-49427046-G-C.
Other names: short protein forms H3814Q.
Identifiers: ClinVar variation 1375622 (VCV001375622.6), dbSNP rs201089404, ClinGen allele CA384718700.
Genomic context (GRCh38, chr12:49,033,263, plus strand): 5'-CACCCGGGACTGGGTCATAAGCACCTGTCTGTGAGGGCCCTGGGGGCCCAAAGCTCCAGG[G>C]TGCTGCTGCTGCAACACAGCCACCTGGGCAGGGCCCAGCATGCCCTGGGGCCCCTGGGGT-3'
Protein context (NP_003473.3, residues 3804-3824): PAQVAVLQQQ[His3814Gln]PGALGPQGPH